The following is an entry in ClinVar:

NM_001184.4(ATR):c.4318C>G (p.His1440Asp)

Gene: ATR (ATR serine/threonine kinase; minus strand). Cytogenetic location: 3q23.
Variant type: single nucleotide variant.
Coding change: c.4318C>G on transcript NM_001184.4 (MANE Select); coding-DNA position 4318, C replaced by G.
Protein change: p.His1440Asp; replaces histidine 1440 with aspartic acid.
Molecular consequence: missense variant.
Genome position (GRCh38, 1-based): chr3:142,519,733, G>C on the plus strand (C>G on the coding strand, the complement: ATR is on the minus strand). VCF-style: chr3-142519733-G-C. GRCh37 (hg19) VCF-style: chr3-142238575-G-C.
Other names: c.4126C>G, p.His1376Asp (NM_001354579.2); short protein forms H1376D, H1440D.
Identifiers: ClinVar variation 3461329 (VCV003461329.1).

ClinVar aggregate classification (germline): Uncertain significance (1 of 4 stars; one submission).

Conditions:
Inborn genetic diseases. Identifiers: MedGen C0950123, MeSH D030342.

gnomAD v4.1: 2 of 1,614,090 alleles (0.00012%); highest among the groups gnomAD compares: Non-Finnish European, 0.00017%; no homozygotes.

Submission:

Ambry Genetics
Classification: Uncertain significance for Inborn genetic diseases. Last evaluated: 2024-08-09. Review status: criteria provided, single submitter. Criteria: Ambry Variant Classification Scheme 2023. Collection method: clinical testing. Allele origin: germline.
Comment: The p.H1440D variant (also known as c.4318C>G), located in coding exon 24 of the ATR gene, results from a C to G substitution at nucleotide position 4318. The histidine at codon 1440 is replaced by aspartic acid, an amino acid with similar properties. This amino acid position is conserved. In addition, this alteration is predicted to be tolerated by in silico analysis. Based on the available evidence, the clinical significance of this variant remains unclear.